The following is an entry in ClinVar:

NM_000558.5(HBA1):c.287del (p.Pro96fs)

Genes: HBA1 (hemoglobin subunit alpha 1; plus strand), LOC106804613 (hemoglobin subunit alpha 1 recombination region; plus strand). Cytogenetic location: 16p13.3.
Variant type: Deletion.
Coding change: c.287del on transcript NM_000558.5 (MANE Select); coding-DNA position 287, one base deleted (C; older notation c.287delC).
Protein change: p.Pro96fs; shifts the reading frame from proline 96.
Molecular consequence: frameshift variant.
Genome position (GRCh38, 1-based): chr16:177,120, C deleted; the last of 3 consecutive C bases (chr16:177,118-177,120); deleting any one gives the same sequence. VCF-style (leftmost placement, unchanged base first): chr16-177117-AC-A. GRCh37 (hg19) VCF-style: chr16-227116-AC-A.
Other names: short protein forms P96fs.
Identifiers: ClinVar variation 4685761 (VCV004685761.1).

ClinVar aggregate classification (germline): Likely pathogenic (1 of 4 stars; one submission).

Submission:

ARUP Laboratories, Molecular Genetics and Genomics, ARUP Laboratories
Classification: Likely pathogenic. Last evaluated: 2025-04-17. Review status: criteria provided, single submitter. Criteria: ARUP Molecular Germline Variant Investigation Process 2024. Collection method: clinical testing. Allele origin: germline.
Comment: The HBA1 c.287del; p.Pro96ArgfsTer7 variant (Hb Campania, also known as codon95 (-C) and p.Pro95fs when numbered from the mature protein) is reported in two related individuals with mild alpha-thalassemia symptoms (Cardiero 2021). This variant is absent from the Genome Aggregation Database (v2.1.1), indicating it is not a common polymorphism. Analysis of cDNA from Hb Campania carriers showed a reduction in mRNA (Cardiero 2021). This variant results in a premature termination codon in the last exon of the HBA1 gene. While this may not lead to nonsense-mediated decay, it is expected to create a truncated protein. Based on available information, this variant is considered to be likely pathogenic. References: Cardiero G et al. mRNA Analysis of Frameshift Mutations with Stop Codon in the Last Exon: The Case of Hemoglobins Campania (alpha1 cod95 (-C)) and Sciacca (alpha1 cod109 (-C)). Biomedicines. 2021 Oct 4;9(10):1390. PMID: 34680508.